The following is an entry in ClinVar:

NM_000093.5(COL5A1):c.4018C>G (p.Pro1340Ala)

Gene: COL5A1 (collagen type V alpha 1 chain; plus strand). Cytogenetic location: 9q34.3.
Variant type: single nucleotide variant.
Coding change: c.4018C>G on transcript NM_000093.5 (MANE Select); coding-DNA position 4018, C replaced by G.
Protein change: p.Pro1340Ala; replaces proline 1340 with alanine.
Molecular consequence: missense variant.
Genome position (GRCh38, 1-based): chr9:134,815,579, C>G. VCF-style: chr9-134815579-C-G. GRCh37 (hg19) VCF-style: chr9-137707425-C-G.
Other names: c.4018C>G, p.Pro1340Ala (NM_001278074.1); short protein forms P1340A.
Identifiers: ClinVar variation 4536768 (VCV004536768.1).
Genomic context (GRCh38, chr9:134,815,579, plus strand): 5'-TGTGGTCTCAGTCAGGTTGCTGATGGCCTTGGCTGCTTCCTTCTTTCTTCCTTTCAGGGC[C>G]CAGTGGGTTTTCCTGGAGATCCTGGCCCCCCCGGAGAGCCTGGCCCCGCGGTAGGTGCTC-3'
Protein context (NP_000084.3, residues 1330-1350): GDDGPKGSPG[Pro1340Ala]VGFPGDPGPP

ClinVar aggregate classification (germline): Uncertain significance (1 of 4 stars; one submission).

gnomAD v4.1: 1 of 1,613,520 alleles (0.000062%); highest among the groups gnomAD compares: East Asian, 0.0022%; no homozygotes.

Submission:

Women's Health and Genetics/Laboratory Corporation of America, LabCorp
Classification: Uncertain significance. Last evaluated: 2025-11-12. Review status: criteria provided, single submitter. Criteria: LabCorp Variant Classification Summary - May 2015. Collection method: clinical testing. Allele origin: germline.
Comment: Variant summary: COL5A1 c.4018C>G (p.Pro1340Ala) results in a non-conservative amino acid change in the encoded protein sequence. Algorithms developed to predict the effect of missense changes on protein structure and function all suggest that this variant is likely to be disruptive. The variant allele was found at a frequency of 4e-06 in 248566 control chromosomes. The available data on variant occurrences in the general population are insufficient to allow any conclusion about variant significance. To our knowledge, no occurrence of c.4018C>G in individuals affected with COL5A1-related conditions and no experimental evidence demonstrating its impact on protein function have been reported. No submitters have cited clinical-significance assessments for this variant to ClinVar. Based on the evidence outlined above, the variant was classified as uncertain significance.